The following is an entry in ClinVar:

NM_001042492.3(NF1):c.2756del (p.Asp919fs)

Gene: NF1 (neurofibromin 1; plus strand). Cytogenetic location: 17q11.2.
Variant type: Deletion.
Coding change: c.2756del on transcript NM_001042492.3 (MANE Select); coding-DNA position 2756, one base deleted (A; older notation c.2756delA).
Protein change: p.Asp919fs; shifts the reading frame from aspartic acid 919.
Molecular consequence: frameshift variant.
Genome position (GRCh38, 1-based): chr17:31,229,371, A deleted. VCF-style (leftmost placement, unchanged base first): chr17-31229370-GA-G. GRCh37 (hg19) VCF-style: chr17-29556388-GA-G.
Other names: c.2756delA, p.Asp919Valfs (NM_000267.4); short protein forms D919fs.
Identifiers: ClinVar variation 1072756 (VCV001072756.5), dbSNP rs2151429593, ClinGen allele CA2499224064.

ClinVar aggregate classification (germline): Pathogenic (1 of 4 stars; one submission).

Conditions:
Neurofibromatosis, type 1 (NF1). Also called: VON RECKLINGHAUSEN DISEASE; Peripheral type neurofibromatosis; NEUROFIBROMATOSIS, TYPE I, SOMATIC; Neurofibromatosis, type I. Identifiers: Orphanet 636, MedGen C0027831, MONDO:0018975, OMIM 162200. Disease mechanism: loss of function.

Submission:

Labcorp Genetics (formerly Invitae), Labcorp
Classification: Pathogenic for Neurofibromatosis, type 1. Last evaluated: 2020-02-28. Review status: criteria provided, single submitter. Criteria: Invitae Variant Classification Sherloc (09022015). Collection method: clinical testing. Allele origin: germline.
Comment: This sequence change creates a premature translational stop signal (p.Asp919Valfs*5) in the NF1 gene. It is expected to result in an absent or disrupted protein product. This variant is not present in population databases (ExAC no frequency). This variant has not been reported in the literature in individuals with NF1-related conditions. Loss-of-function variants in NF1 are known to be pathogenic (PMID: 10712197, 23913538). For these reasons, this variant has been classified as Pathogenic.

Literature cited by the submitters: PubMed 10712197; PubMed 23913538.